The following is an entry in ClinVar:

ClinVar aggregate classification (germline): Pathogenic (1 of 4 stars; one submission).

Conditions:
X-linked severe combined immunodeficiency (SCIDX1). Also called: IMMUNODEFICIENCY 4; SCID, X-LINKED; SEVERE COMBINED IMMUNODEFICIENCY, X-LINKED, T CELL-NEGATIVE, B CELL-POSITIVE, NK CELL-NEGATIVE; X-Linked Combined Immunodeficiency Diseases; T-B+ severe combined immunodeficiency due to gamma chain deficiency. Identifiers: Orphanet 276, MedGen C6022468, MONDO:0010315, OMIM 300400. Disease mechanism: loss of function.

Submission:

Clinical Immunology, Karolinska University Hospital
Classification: Pathogenic for X-linked severe combined immunodeficiency. Last evaluated: 2025-11-28. Review status: criteria provided, single submitter. Criteria: ACMG Guidelines, 2015. Collection method: clinical testing. Allele origin: germline. Inheritance: X-linked recessive inheritance. Affected: yes.
Comment: Severe bilateral Pneumocystis pneumonia, oral candida.

NM_000206.3(IL2RG):c.988dup (p.Cys330fs)

Gene: IL2RG (interleukin 2 receptor subunit gamma; minus strand). Cytogenetic location: Xq13.1.
Variant type: Duplication.
Coding change: c.988dup on transcript NM_000206.3 (MANE Select); coding-DNA position 988, one base duplicated (T; older notation c.988dupT).
Protein change: p.Cys330fs; shifts the reading frame from cysteine 330.
Molecular consequence: frameshift variant. On other transcripts: 3 prime UTR variant (1).
Genome position (GRCh38, 1-based): chrX:71,107,858, A duplicated on the plus strand (T on the coding strand, the reverse complement: IL2RG is on the minus strand). VCF-style (leftmost placement, unchanged base first): chrX-71107857-C-CA. GRCh37 (hg19) VCF-style: chrX-70327707-C-CA.
Other names: c.*108dup (NM_001438870.1); short protein forms C330fs.
Identifiers: ClinVar variation 4813334 (VCV004813334.1).